The following is an entry in ClinVar:

ClinVar aggregate classification (germline): Uncertain significance (1 of 4 stars; one submission).

Conditions:
PLEC-related disorder. Also called: PLEC-related disorders; PLEC-related condition.

Submission:

PreventionGenetics, part of Exact Sciences
Classification: Uncertain significance for PLEC-related condition. Last evaluated: 2026-02-19. Review status: criteria provided, single submitter. Criteria: ACMG Guidelines, 2015. Collection method: clinical testing. Allele origin: germline.
Comment: The PLEC c.6335_6364dup30 variant is predicted to result in an in-frame duplication (p.Ala2112_Glu2121dup). To our knowledge, this variant has not been reported in the literature or in a large population database (gnomAD), indicating this variant is rare. At this time, the clinical significance of this variant is uncertain due to the absence of conclusive functional and genetic evidence.

NM_201384.3(PLEC):c.6254_6283dup (p.Glu2094_Glu2095insAlaAlaArgArgAlaAlaGluGluAlaGlu)

Gene: PLEC (plectin; minus strand). Cytogenetic location: 8q24.3.
Variant type: Duplication.
Coding change: c.6254_6283dup on transcript NM_201384.3 (MANE Select); coding-DNA positions 6254 to 6283, 30 bases duplicated (CGGCCCGGCGGGCGGCTGAGGAGGCGGAGG).
Protein change: p.Glu2094_Glu2095insAlaAlaArgArgAlaAlaGluGluAlaGlu.
Molecular consequence: inframe insertion. On other transcripts: intron variant (1).
Genome position (GRCh38, 1-based): chr8:143,923,646-143,923,675, CCTCCGCCTCCTCAGCCGCCCGCCGGGCCG duplicated on the plus strand (CGGCCCGGCGGGCGGCTGAGGAGGCGGAGG on the coding strand, the reverse complement: PLEC is on the minus strand); duplicating any 30 consecutive bases within chr8:143,923,646-143,923,685 gives the same sequence; the c. name uses the placement nearest the transcript's 3' end. VCF-style (leftmost placement, unchanged base first): chr8-143923645-T-TCCTCCGCCTCCTCAGCCGCCCGCCGGGCCG. GRCh37 (hg19) VCF-style: chr8-144997813-T-TCCTCCGCCTCCTCAGCCGCCCGCCGGGCCG.
Other names: c.6335_6364dup, p.Glu2121_Glu2122insAlaAlaArgArgAlaAlaGluGluAlaGlu (NM_000445.5); c.6212_6241dup, p.Glu2080_Glu2081insAlaAlaArgArgAlaAlaGluGluAlaGlu (NM_201378.4); c.6188_6217dup, p.Glu2072_Glu2073insAlaAlaArgArgAlaAlaGluGluAlaGlu (NM_201379.3); c.6665_6694dup, p.Glu2231_Glu2232insAlaAlaArgArgAlaAlaGluGluAlaGlu (NM_201380.4); c.6158_6187dup, p.Glu2062_Glu2063insAlaAlaArgArgAlaAlaGluGluAlaGlu (NM_201381.3); c.6254_6283dup, p.Glu2094_Glu2095insAlaAlaArgArgAlaAlaGluGluAlaGlu (NM_201382.4); c.6266_6295dup, p.Glu2098_Glu2099insAlaAlaArgArgAlaAlaGluGluAlaGlu (NM_201383.3); c.4126-1280_4126-1251dup (NM_001410941.1).
Identifiers: ClinVar variation 4983099 (VCV004983099.1).
Genomic context (GRCh38, chr8:143,923,645, plus strand): 5'-TCGGCCTCTTCCACCTGCCGCCGGGACTGCGCCGCCTCACGCTCCGCCTGCACCCGGGCC[T>TCCTCCGCCTCCTCAGCCGCCCGCCGGGCCG]CCTCCGCCTCCTCAGCCGCCCGCCGGGCCGCCTCCGCCTCGCCGCGCAGCTGGTCCAGCA-3'